The following is an entry in ClinVar:

ClinVar aggregate classification (germline): Uncertain significance (1 of 4 stars; one submission).

Conditions:
Atypical hemolytic-uremic syndrome. Identifiers: Orphanet 2134, MedGen C2931788, MONDO:0016244.

Submission:

Genomenon, Inc
Classification: Uncertain significance for Atypical hemolytic-uremic syndrome. Last evaluated: 2025-10-02. Review status: criteria provided, single submitter. Criteria: Genomenon Sequence Variant Interpretation Standards - Updated. Collection method: curation. Allele origin: germline. Affected: yes.
Comment: CFH p.Trp1183Cys (c.3549G>T) is a missense variant that changes the amino acid at residue 1183 from Tryptophan to Cysteine. This variant has been observed in at least one proband affected with atypical hemolytic-uremic syndrome (PMID:20513133). Functional studies have been reported (PMID:34189567). It is absent or not present at a significant frequency in gnomAD. In conclusion, we classify CFH p.Trp1183Cys (c.3549G>T) as a variant of uncertain significance.

Literature cited by the submitters: PubMed 20513133; PubMed 34189567.

NM_000186.4(CFH):c.3549G>T (p.Trp1183Cys)

Gene: CFH (complement factor H; plus strand). Cytogenetic location: 1q31.3.
Variant type: single nucleotide variant.
Coding change: c.3549G>T on transcript NM_000186.4 (MANE Select); coding-DNA position 3549, G replaced by T.
Protein change: p.Trp1183Cys; replaces tryptophan 1183 with cysteine.
Molecular consequence: missense variant.
Genome position (GRCh38, 1-based): chr1:196,747,166, G>T. VCF-style: chr1-196747166-G-T. GRCh37 (hg19) VCF-style: chr1-196716296-G-T.
Other names: short protein forms W1183C.
Identifiers: ClinVar variation 4291599 (VCV004291599.1).